The following is an entry in ClinVar:

NM_018082.6(POLR3B):c.-1C>T

Gene: POLR3B (RNA polymerase III subunit B; plus strand). Cytogenetic location: 12q23.3.
Variant type: single nucleotide variant.
Coding change: c.-1C>T on transcript NM_018082.6 (MANE Select); 1 bases upstream of the start codon, C replaced by T.
Molecular consequence: 5 prime UTR variant.
Genome position (GRCh38, 1-based): chr12:106,357,879, C>T. VCF-style: chr12-106357879-C-T. GRCh37 (hg19) VCF-style: chr12-106751657-C-T.
Identifiers: ClinVar variation 306926 (VCV000306926.33), dbSNP rs117873765, ClinGen allele CA6761531.

ClinVar aggregate classification (germline): Benign/Likely benign. Review status: criteria provided, multiple submitters, no conflicts (2 of 4 stars). 7 submissions from 7 submitters: Benign (6); Likely benign (1). Last evaluated 2026-09-01.

Conditions:
POLR3B-related disorder. Also called: POLR3B-related condition; POLR3B-related disorders. Identifiers: MedGen CN378588, MONDO:0700277.
Leukodystrophy, hypomyelinating, 8, with or without oligodontia and/or hypogonadotropic hypogonadism. Also called: LEUKODYSTROPHY, HYPOMYELINATING, 8, WITH HYPODONTIA AND HYPOGONADOTROPIC HYPOGONADISM; Hypomyelinating leukodystrophy 8 with or without oligodontia and-or hypogonadotropic hypogonadism; Endosteal sclerosis-cerebellar hypoplasia syndrome. Identifiers: Orphanet 85186, Orphanet 88637, MedGen C3280644, MONDO:0013722, OMIM 614381.

Allele frequency attached by ClinVar (database versions not stated): gnomAD 0.00681 and 0.00704; gnomAD exomes 0.00726 and 0.00941; TOPMed 0.00746; ExAC 0.00764; ESP Exome Variant Server 0.00961; 1000 Genomes Project 0.00359; 1000 Genomes Project 30x 0.00437.
gnomAD v4.1: 14,789 of 1,613,422 alleles (0.92%); highest among the groups gnomAD compares: Middle Eastern, 1.1%; 104 homozygotes.

Submissions (7):

CeGaT Center for Human Genetics Tuebingen
Classification: Benign. Last evaluated: 2026-09-01. Review status: criteria provided, single submitter. Criteria: CeGaT Center For Human Genetics Tuebingen Variant Classification Criteria Version 2. Collection method: clinical testing. Allele origin: germline. Affected: yes. Observed: 54 variant alleles.
Comment: POLR3B: BP4, BS1, BS2

PreventionGenetics, part of Exact Sciences
Classification: Benign for POLR3B-related condition. Last evaluated: 2025-11-19. Review status: criteria provided, single submitter. Criteria: ACMG Guidelines, 2015. Collection method: clinical testing. Allele origin: germline.
Comment: This variant is classified as benign based on ACMG/AMP sequence variant interpretation guidelines (Richards et al. 2015 PMID: 25741868, with internal and published modifications).

Blueprint Genetics
Classification: Likely benign. Last evaluated: 2024-11-26. Review status: criteria provided, single submitter. Criteria: ACMG Guidelines, 2015. Collection method: clinical testing. Allele origin: germline.

Mayo Clinic Laboratories, Mayo Clinic
Classification: Benign. Last evaluated: 2024-05-13. Review status: criteria provided, single submitter. Criteria: ACMG Guidelines, 2015. Collection method: clinical testing. Allele origin: germline. Observed: 8 variant alleles.
Comment: BS1, BS2

GeneDx
Classification: Benign. Last evaluated: 2020-03-09. Review status: criteria provided, single submitter. Criteria: GeneDx Variant Classification Process June 2021. Collection method: clinical testing. Allele origin: germline. Affected: yes.

Illumina Laboratory Services, Illumina
Classification: Benign for Leukodystrophy, hypomyelinating, 8, with or without oligodontia and/or hypogonadotropic hypogonadism. Last evaluated: 2018-01-13. Review status: criteria provided, single submitter. Criteria: ICSL Variant Classification Criteria 13 December 2019. Collection method: clinical testing. Allele origin: germline.
Comment: This variant was observed in the ICSL laboratory as part of a predisposition screen in an ostensibly healthy population. It had not been previously curated by ICSL or reported in the Human Gene Mutation Database (HGMD: prior to June 1st, 2018), and was therefore a candidate for classification through an automated scoring system. Utilizing variant allele frequency, disease prevalence and penetrance estimates, and inheritance mode, an automated score was calculated to assess if this variant is too frequent to cause the disease. Based on the score and internal cut-off values, a variant classified as benign is not then subjected to further curation. The score for this variant resulted in a classification of benign for this disease.

Breakthrough Genomics
Classification: Benign. Review status: criteria provided, single submitter. Criteria: ACMG Guidelines, 2015. Collection method: not provided. Allele origin: germline. Inheritance: Autosomal recessive inheritance. Affected: yes.